The following is an entry in ClinVar:

ClinVar aggregate classification (germline): Pathogenic (1 of 4 stars; one submission).

Submission:

Labcorp Genetics (formerly Invitae), Labcorp
Classification: Pathogenic. Last evaluated: 2025-01-27. Review status: criteria provided, single submitter. Criteria: Invitae Variant Classification Sherloc (09022015). Collection method: clinical testing. Allele origin: germline.
Comment: This sequence change creates a premature translational stop signal (p.Val267Cysfs*63) in the WDR4 gene. It is expected to result in an absent or disrupted protein product. Loss-of-function variants in WDR4 are known to be pathogenic (PMID: 29597095, 30079490). This variant is not present in population databases (gnomAD no frequency). This variant has not been reported in the literature in individuals affected with WDR4-related conditions. For these reasons, this variant has been classified as Pathogenic.

Literature cited by the submitters: PubMed 29597095; PubMed 30079490.

NM_018669.6(WDR4):c.797dup (p.Val267fs)

Gene: WDR4 (WDR4 tRNA N7-guanosine methyltransferase non-catalytic subunit; minus strand). Cytogenetic location: 21q22.3.
Variant type: Duplication.
Coding change: c.797dup on transcript NM_018669.6 (MANE Select); coding-DNA position 797, one base duplicated (C; older notation c.797dupC).
Protein change: p.Val267fs; shifts the reading frame from valine 267.
Molecular consequence: frameshift variant. On other transcripts: non-coding transcript variant (1).
Genome position (GRCh38, 1-based): chr21:42,853,747, G duplicated on the plus strand (C on the coding strand, the reverse complement: WDR4 is on the minus strand); the first of 2 consecutive G bases (chr21:42,853,747-42,853,748); duplicating either gives the same sequence. VCF-style (leftmost placement, unchanged base first): chr21-42853746-A-AG. GRCh37 (hg19) VCF-style: chr21-44273856-A-AG.
Other names: c.794dup, p.Val266fs (NM_001260474.2); c.359dup, p.Val121fs (NM_001260475.2, NM_001260476.2, NM_001260477.2); c.797dup, p.Val267fs (NM_033661.5); short protein forms V121fs, V266fs, V267fs.
Identifiers: ClinVar variation 3662701 (VCV003662701.2).
Genomic context (GRCh38, chr21:42,853,746, plus strand): 5'-CAGCTGCTGCCTGTACACCAACTGCTGTCTGCGGGCGTCCAGCTGGAAGATGTAGACCAC[A>AG]GGAGTGCTTGCCACGAAGAAAGAGAGCATGATTACTAGGACTGCAGGCCCACGGGCTCCG-3'